The following is an entry in ClinVar:

ClinVar aggregate classification (germline): Uncertain significance (1 of 4 stars; one submission).

Conditions:
Emery-Dreifuss muscular dystrophy 5, autosomal dominant (EDMD5). Also called: EMERY-DREIFUSS MUSCULAR DYSTROPHY 5. Identifiers: Orphanet 261, MedGen C2751805, MONDO:0013072, OMIM 612999.

Allele frequency attached by ClinVar (database versions not stated): gnomAD exomes 0.00002; ExAC 0.00004; gnomAD 0.00005 and 0.00006; ESP Exome Variant Server 0.00008; TOPMed 0.00008; 1000 Genomes Project 30x 0.00016; 1000 Genomes Project 0.00020.
gnomAD v4.1: 23 of 1,613,908 alleles (0.0014%); highest among the groups gnomAD compares: African/African-American, 0.016%; no homozygotes.

Submission:

Labcorp Genetics (formerly Invitae), Labcorp
Classification: Uncertain significance for Emery-Dreifuss muscular dystrophy 5, autosomal dominant. Last evaluated: 2022-06-30. Review status: criteria provided, single submitter. Criteria: Invitae Variant Classification Sherloc (09022015). Collection method: clinical testing. Allele origin: germline.
Comment: In summary, the available evidence is currently insufficient to determine the role of this variant in disease. Therefore, it has been classified as a Variant of Uncertain Significance. Algorithms developed to predict the effect of sequence changes on RNA splicing suggest that this variant may create or strengthen a splice site. Algorithms developed to predict the effect of missense changes on protein structure and function output the following: SIFT: "Tolerated"; PolyPhen-2: "Benign"; Align-GVGD: "Class C0". The cysteine amino acid residue is found in multiple mammalian species, which suggests that this missense change does not adversely affect protein function. ClinVar contains an entry for this variant (Variation ID: 650218). This variant has not been reported in the literature in individuals affected with SYNE2-related conditions. This variant is present in population databases (rs377436719, gnomAD 0.03%). This sequence change replaces tyrosine, which is neutral and polar, with cysteine, which is neutral and slightly polar, at codon 198 of the SYNE2 protein (p.Tyr198Cys).

NM_182914.3(SYNE2):c.593A>G (p.Tyr198Cys)

Gene: SYNE2 (spectrin repeat containing nuclear envelope protein 2; plus strand). Cytogenetic location: 14q23.2.
Variant type: single nucleotide variant.
Coding change: c.593A>G on transcript NM_182914.3 (MANE Select); coding-DNA position 593, A replaced by G.
Protein change: p.Tyr198Cys; replaces tyrosine 198 with cysteine.
Molecular consequence: missense variant.
Genome position (GRCh38, 1-based): chr14:63,954,721, A>G. VCF-style: chr14-63954721-A-G. GRCh37 (hg19) VCF-style: chr14-64421439-A-G.
Other names: c.593A>G, p.Tyr198Cys (NM_015180.6); short protein forms Y198C.
Identifiers: ClinVar variation 650218 (VCV000650218.7), dbSNP rs377436719, ClinGen allele CA7219170.